The following is an entry in ClinVar:

ClinVar aggregate classification (germline): Likely benign. Review status: criteria provided, multiple submitters, no conflicts (2 of 4 stars). 4 submissions from 4 submitters: Likely benign (3). 1 of the submissions does not count toward it. Last evaluated 2025-10-02.

Conditions:
PCDH15-related disorder. Also called: PCDH15-related condition; PCDH15-related disorders.

Allele frequency attached by ClinVar (database versions not stated): gnomAD 0.00001; ExAC 0.00002; gnomAD exomes 0.00004 and 0.00002; TOPMed 0.00003.
gnomAD v4.1: 27 of 1,572,170 alleles (0.0017%); highest among the groups gnomAD compares: Admixed American, 0.013%; no homozygotes.

Submissions (4):

Labcorp Genetics (formerly Invitae), Labcorp
Classification: Likely benign. Last evaluated: 2025-10-02. Review status: criteria provided, single submitter. Criteria: Invitae Variant Classification Sherloc (09022015). Collection method: clinical testing. Allele origin: germline.

Blueprint Genetics
Classification: Likely benign. Last evaluated: 2022-10-10. Review status: criteria provided, single submitter. Criteria: ACMG Guidelines, 2015. Collection method: clinical testing. Allele origin: germline.

Laboratory for Molecular Medicine, Mass General Brigham Personalized Medicine
Classification: Likely benign. Last evaluated: 2014-11-07. Review status: criteria provided, single submitter. Criteria: LMM Criteria. Collection method: clinical testing. Allele origin: germline. Observed: 1 variant allele.
Comment: p.Cys1778Cys in exon 33 of PCDH15: This variant is not expected to have clinical significance because it does not alter an amino acid residue and is not located within the splice consensus sequence.

PreventionGenetics, part of Exact Sciences
Classification: Likely benign for PCDH15-related condition. Last evaluated: 2019-03-20. Review status: no assertion criteria provided. Collection method: clinical testing. Allele origin: germline. Not counted in ClinVar's aggregate classification.
Comment: This variant is classified as likely benign based on ACMG/AMP sequence variant interpretation guidelines (Richards et al. 2015 PMID: 25741868, with internal and published modifications).

NM_033056.4(PCDH15):c.5334T>C (p.Cys1778=)

Gene: PCDH15 (protocadherin related 15; minus strand). Cytogenetic location: 10q21.1.
Variant type: single nucleotide variant.
Coding change: c.5334T>C on transcript NM_033056.4 (MANE Plus Clinical); coding-DNA position 5334, T replaced by C.
Protein change: p.Cys1778=; no amino-acid change (cysteine 1778 retained).
Molecular consequence: synonymous variant. On other transcripts: intron variant (8).
Genome position (GRCh38, 1-based): chr10:53,822,392, A>G on the plus strand (T>C on the coding strand, the complement: PCDH15 is on the minus strand). VCF-style: chr10-53822392-A-G. GRCh37 (hg19) VCF-style: chr10-55582152-A-G.
Other names: c.5355T>C, p.Cys1785= (NM_001142763.2); c.5340T>C, p.Cys1780= (NM_001142764.2); c.5127T>C, p.Cys1709= (NM_001142765.2); c.5325T>C, p.Cys1775= (NM_001142766.2); c.5214T>C, p.Cys1738= (NM_001142767.2); c.5274T>C, p.Cys1758= (NM_001142768.2); c.5265T>C, p.Cys1755= (NM_001142773.2); c.5268T>C, p.Cys1756= (NM_001354404.2); and 7 more.
Identifiers: ClinVar variation 164902 (VCV000164902.18), dbSNP rs727503362, ClinGen allele CA177581.